The following is an entry in ClinVar:

NM_000521.4(HEXB):c.1243-6T>C

Gene: HEXB (hexosaminidase subunit beta; plus strand). Cytogenetic location: 5q13.3.
Variant type: single nucleotide variant.
Coding change: c.1243-6T>C on transcript NM_000521.4 (MANE Select); 6 bases into the intron before coding-DNA position 1243, T replaced by C.
Molecular consequence: intron variant.
Genome position (GRCh38, 1-based): chr5:74,718,791, T>C. VCF-style: chr5-74718791-T-C. GRCh37 (hg19) VCF-style: chr5-74014616-T-C.
Other names: c.568-6T>C (NM_001292004.2).
Identifiers: ClinVar variation 703218 (VCV000703218.15), dbSNP rs759404927, ClinGen allele CA3306088.

ClinVar aggregate classification (germline): Benign. Review status: criteria provided, multiple submitters, no conflicts (2 of 4 stars). 4 submissions from 4 submitters: Benign (2). 2 of the submissions do not count toward it. Last evaluated 2026-01-15.

Conditions:
Sandhoff disease. Also called: GM2-GANGLIOSIDOSIS, TYPE II; HEXOSAMINIDASES A AND B DEFICIENCY; Beta-hexosaminidase-beta-subunit deficiency; GM2 gangliosidosis, type 2; Total hexosaminidase deficiency; Sandhoff-Jatzkewitz-Pilz disease. Identifiers: Orphanet 796, MedGen C0036161, MONDO:0010006, OMIM 268800.
HEXB-related disorder. Also called: HEXB-related condition.

Allele frequency attached by ClinVar (database versions not stated): gnomAD 0.00003 and 0.00004; gnomAD exomes 0.00006 and 0.00035; TOPMed 0.00013; ExAC 0.00037.
gnomAD v4.1: 97 of 1,613,874 alleles (0.006%); highest among the groups gnomAD compares: Admixed American, 0.16%; no homozygotes.

Submissions (4):

Labcorp Genetics (formerly Invitae), Labcorp
Classification: Benign for Sandhoff disease. Last evaluated: 2026-01-15. Review status: criteria provided, single submitter. Criteria: Invitae Variant Classification Sherloc (09022015). Collection method: clinical testing. Allele origin: germline.

Women's Health and Genetics/Laboratory Corporation of America, LabCorp
Classification: Benign. Last evaluated: 2020-03-26. Review status: criteria provided, single submitter. Criteria: LabCorp Variant Classification Summary - May 2015. Collection method: clinical testing. Allele origin: germline.
Comment: Variant summary: HEXB c.1243-6T>C alters a non-conserved nucleotide located close to a canonical splice site and therefore could affect mRNA splicing, leading to a significantly altered protein sequence. 4/4 computational tools predict no significant impact on normal splicing. However, these predictions have yet to be confirmed by functional studies. The variant allele was found at a frequency of 0.00035 in 251344 control chromosomes, predominantly at a frequency of 0.0025 within the Latino subpopulation in the gnomAD database. The observed variant frequency within Latino control individuals in the gnomAD database is approximately 1.7 fold of the estimated maximal expected allele frequency for a pathogenic variant in HEXB causing Sandhoff Disease phenotype (0.0015), strongly suggesting that the variant is a benign polymorphism found primarily in populations of Latino origin. To our knowledge, no occurrence of c.1243-6T>C in individuals affected with Sandhoff Disease and no experimental evidence demonstrating its impact on protein function have been reported. One ClinVar submitter (evaluation after 2014) cites the variant as benign. Based on the evidence outlined above, the variant was classified as benign.

PreventionGenetics, part of Exact Sciences
Classification: Likely benign for HEXB-related condition. Last evaluated: 2024-07-26. Review status: no assertion criteria provided. Collection method: clinical testing. Allele origin: germline. Not counted in ClinVar's aggregate classification.
Comment: This variant is classified as likely benign based on ACMG/AMP sequence variant interpretation guidelines (Richards et al. 2015 PMID: 25741868, with internal and published modifications).

Natera, Inc.
Classification: Uncertain significance for Sandhoff disease. Last evaluated: 2020-02-13. Review status: no assertion criteria provided. Collection method: clinical testing. Allele origin: germline. Not counted in ClinVar's aggregate classification.